The following is an entry in ClinVar:

ClinVar aggregate classification (germline): Benign. Review status: criteria provided, multiple submitters, no conflicts (2 of 4 stars). 2 submissions from 2 submitters: Benign (2). Last evaluated 2013-12-01.

Allele frequency attached by ClinVar (database versions not stated): TOPMed 0.05359; gnomAD 0.05990 and 0.06445; gnomAD exomes 0.06765; 1000 Genomes Project 0.08187; 1000 Genomes Project 30x 0.08370.
gnomAD v4.1: 9,868 of 152,076 alleles (6.5%); highest among the groups gnomAD compares: South Asian, 19%; 441 homozygotes.

Submissions (36):

GeneDx
Classification: Benign. Last evaluated: 2013-12-01. Review status: criteria provided, single submitter. Criteria: GeneDx Variant Classification (06012015). Collection method: clinical testing. Allele origin: germline. Affected: yes.
Comment: This variant is considered likely benign or benign based on one or more of the following criteria: it is a conservative change, it occurs at a poorly conserved position in the protein, it is predicted to be benign by multiple in silico algorithms, and/or has population frequency not consistent with disease.

Breakthrough Genomics
Classification: Benign. Review status: criteria provided, single submitter. Criteria: ACMG Guidelines, 2015. Collection method: not provided. Allele origin: germline. Inheritance: Autosomal recessive inheritance. Affected: yes.

Dr. Peter K. Rogan Lab, Western University
No classification provided (evidence only). Condition: Ovarian serous cystadenocarcinoma. Review status: no classification provided. Collection method: in vitro. Allele origin: not applicable. Functional consequence: retained intron. Not counted in ClinVar's aggregate classification.

Dr. Peter K. Rogan Lab, Western University
No classification provided (evidence only). Condition: Ovarian serous cystadenocarcinoma. Review status: no classification provided. Collection method: in vitro. Allele origin: not applicable. Functional consequence: retained intron. Not counted in ClinVar's aggregate classification.

Dr. Peter K. Rogan Lab, Western University
No classification provided (evidence only). Condition: Ovarian serous cystadenocarcinoma. Review status: no classification provided. Collection method: in vitro. Allele origin: not applicable. Functional consequence: retained intron. Not counted in ClinVar's aggregate classification.

Dr. Peter K. Rogan Lab, Western University
No classification provided (evidence only). Condition: Ovarian serous cystadenocarcinoma. Review status: no classification provided. Collection method: in vitro. Allele origin: not applicable. Functional consequence: retained intron. Not counted in ClinVar's aggregate classification.

Dr. Peter K. Rogan Lab, Western University
No classification provided (evidence only). Condition: Ovarian serous cystadenocarcinoma. Review status: no classification provided. Collection method: in vitro. Allele origin: not applicable. Functional consequence: retained intron. Not counted in ClinVar's aggregate classification.

Dr. Peter K. Rogan Lab, Western University
No classification provided (evidence only). Condition: Ovarian serous cystadenocarcinoma. Review status: no classification provided. Collection method: in vitro. Allele origin: not applicable. Functional consequence: retained intron. Not counted in ClinVar's aggregate classification.

Dr. Peter K. Rogan Lab, Western University
No classification provided (evidence only). Condition: Ovarian serous cystadenocarcinoma. Review status: no classification provided. Collection method: in vitro. Allele origin: not applicable. Functional consequence: retained intron. Not counted in ClinVar's aggregate classification.

Dr. Peter K. Rogan Lab, Western University
No classification provided (evidence only). Condition: Ovarian serous cystadenocarcinoma. Review status: no classification provided. Collection method: in vitro. Allele origin: not applicable. Functional consequence: retained intron. Not counted in ClinVar's aggregate classification.

Dr. Peter K. Rogan Lab, Western University
No classification provided (evidence only). Condition: Ovarian serous cystadenocarcinoma. Review status: no classification provided. Collection method: in vitro. Allele origin: not applicable. Functional consequence: retained intron. Not counted in ClinVar's aggregate classification.

Dr. Peter K. Rogan Lab, Western University
No classification provided (evidence only). Condition: Ovarian serous cystadenocarcinoma. Review status: no classification provided. Collection method: in vitro. Allele origin: not applicable. Functional consequence: retained intron. Not counted in ClinVar's aggregate classification.

Dr. Peter K. Rogan Lab, Western University
No classification provided (evidence only). Condition: Ovarian serous cystadenocarcinoma. Review status: no classification provided. Collection method: in vitro. Allele origin: not applicable. Functional consequence: retained intron. Not counted in ClinVar's aggregate classification.

Dr. Peter K. Rogan Lab, Western University
No classification provided (evidence only). Condition: Ovarian serous cystadenocarcinoma. Review status: no classification provided. Collection method: in vitro. Allele origin: not applicable. Functional consequence: retained intron. Not counted in ClinVar's aggregate classification.

Dr. Peter K. Rogan Lab, Western University
No classification provided (evidence only). Condition: Ovarian serous cystadenocarcinoma. Review status: no classification provided. Collection method: in vitro. Allele origin: not applicable. Functional consequence: retained intron. Not counted in ClinVar's aggregate classification.

Dr. Peter K. Rogan Lab, Western University
No classification provided (evidence only). Condition: Chronic lymphocytic leukemia/small lymphocytic lymphoma. Review status: no classification provided. Collection method: in vitro. Allele origin: not applicable. Functional consequence: retained intron. Not counted in ClinVar's aggregate classification.

Dr. Peter K. Rogan Lab, Western University
No classification provided (evidence only). Condition: Chronic lymphocytic leukemia/small lymphocytic lymphoma. Review status: no classification provided. Collection method: in vitro. Allele origin: not applicable. Functional consequence: retained intron. Not counted in ClinVar's aggregate classification.

Dr. Peter K. Rogan Lab, Western University
No classification provided (evidence only). Condition: Nonpapillary renal cell carcinoma. Review status: no classification provided. Collection method: in vitro. Allele origin: not applicable. Functional consequence: retained intron. Not counted in ClinVar's aggregate classification.

Dr. Peter K. Rogan Lab, Western University
No classification provided (evidence only). Condition: Nonpapillary renal cell carcinoma. Review status: no classification provided. Collection method: in vitro. Allele origin: not applicable. Functional consequence: retained intron. Not counted in ClinVar's aggregate classification.

Dr. Peter K. Rogan Lab, Western University
No classification provided (evidence only). Condition: Familial pancreatic carcinoma. Review status: no classification provided. Collection method: in vitro. Allele origin: not applicable. Functional consequence: retained intron. Not counted in ClinVar's aggregate classification.

Dr. Peter K. Rogan Lab, Western University
No classification provided (evidence only). Condition: Familial pancreatic carcinoma. Review status: no classification provided. Collection method: in vitro. Allele origin: not applicable. Functional consequence: retained intron. Not counted in ClinVar's aggregate classification.

Dr. Peter K. Rogan Lab, Western University
No classification provided (evidence only). Condition: Familial pancreatic carcinoma. Review status: no classification provided. Collection method: in vitro. Allele origin: not applicable. Functional consequence: retained intron. Not counted in ClinVar's aggregate classification.

Dr. Peter K. Rogan Lab, Western University
No classification provided (evidence only). Condition: Familial pancreatic carcinoma. Review status: no classification provided. Collection method: in vitro. Allele origin: not applicable. Functional consequence: retained intron. Not counted in ClinVar's aggregate classification.

Dr. Peter K. Rogan Lab, Western University
No classification provided (evidence only). Condition: Familial pancreatic carcinoma. Review status: no classification provided. Collection method: in vitro. Allele origin: not applicable. Functional consequence: retained intron. Not counted in ClinVar's aggregate classification.

Dr. Peter K. Rogan Lab, Western University
No classification provided (evidence only). Condition: Familial pancreatic carcinoma. Review status: no classification provided. Collection method: in vitro. Allele origin: not applicable. Functional consequence: retained intron. Not counted in ClinVar's aggregate classification.

Dr. Peter K. Rogan Lab, Western University
No classification provided (evidence only). Condition: Familial pancreatic carcinoma. Review status: no classification provided. Collection method: in vitro. Allele origin: not applicable. Functional consequence: retained intron. Not counted in ClinVar's aggregate classification.

Dr. Peter K. Rogan Lab, Western University
No classification provided (evidence only). Condition: Familial pancreatic carcinoma. Review status: no classification provided. Collection method: in vitro. Allele origin: not applicable. Functional consequence: retained intron. Not counted in ClinVar's aggregate classification.

Dr. Peter K. Rogan Lab, Western University
No classification provided (evidence only). Condition: Familial pancreatic carcinoma. Review status: no classification provided. Collection method: in vitro. Allele origin: not applicable. Functional consequence: retained intron. Not counted in ClinVar's aggregate classification.

Dr. Peter K. Rogan Lab, Western University
No classification provided (evidence only). Condition: Familial pancreatic carcinoma. Review status: no classification provided. Collection method: in vitro. Allele origin: not applicable. Functional consequence: retained intron. Not counted in ClinVar's aggregate classification.

Dr. Peter K. Rogan Lab, Western University
No classification provided (evidence only). Condition: Familial pancreatic carcinoma. Review status: no classification provided. Collection method: in vitro. Allele origin: not applicable. Functional consequence: retained intron. Not counted in ClinVar's aggregate classification.

Dr. Peter K. Rogan Lab, Western University
No classification provided (evidence only). Condition: Lymphoma. Review status: no classification provided. Collection method: in vitro. Allele origin: not applicable. Functional consequence: retained intron. Not counted in ClinVar's aggregate classification.

Dr. Peter K. Rogan Lab, Western University
No classification provided (evidence only). Condition: Lymphoma. Review status: no classification provided. Collection method: in vitro. Allele origin: not applicable. Functional consequence: retained intron. Not counted in ClinVar's aggregate classification.

Dr. Peter K. Rogan Lab, Western University
No classification provided (evidence only). Condition: Ovarian cancer. Review status: no classification provided. Collection method: in vitro. Allele origin: not applicable. Functional consequence: retained intron. Not counted in ClinVar's aggregate classification.

Dr. Peter K. Rogan Lab, Western University
No classification provided (evidence only). Condition: Ovarian cancer. Review status: no classification provided. Collection method: in vitro. Allele origin: not applicable. Functional consequence: retained intron. Not counted in ClinVar's aggregate classification.

Dr. Peter K. Rogan Lab, Western University
No classification provided (evidence only). Condition: Ovarian cancer. Review status: no classification provided. Collection method: in vitro. Allele origin: not applicable. Functional consequence: retained intron. Not counted in ClinVar's aggregate classification.

Dr. Peter K. Rogan Lab, Western University
No classification provided (evidence only). Condition: Ovarian cancer. Review status: no classification provided. Collection method: in vitro. Allele origin: not applicable. Functional consequence: retained intron. Not counted in ClinVar's aggregate classification.

NM_018941.4(CLN8):c.-126C>T

Genes: CLN8-AS1 (CLN8 antisense RNA 1; minus strand), CLN8 (CLN8 transmembrane ER and ERGIC protein; plus strand). Cytogenetic location: 8p23.3.
Variant type: single nucleotide variant.
Coding change: c.-126C>T on transcript NM_018941.4 (MANE Select); 126 bases upstream of the start codon, C replaced by T.
Molecular consequence: 5 prime UTR variant.
Genome position (GRCh38, 1-based): chr8:1,763,883, C>T. VCF-style: chr8-1763883-C-T. GRCh37 (hg19) VCF-style: chr8-1712049-C-T.
Other names: NC_000008.10:g.1712049C>T.
Identifiers: ClinVar variation 136808 (VCV000136808.3), dbSNP rs113428006, ClinGen allele CA290162.